The following is an entry in ClinVar:

ClinVar aggregate classification (germline): Uncertain significance (1 of 4 stars; one submission).

Conditions:
TBX4-related disorder. Also called: TBX4-related condition; TBX4-related disorders.

Submission:

PreventionGenetics, part of Exact Sciences
Classification: Uncertain significance for TBX4-related condition. Last evaluated: 2022-09-19. Review status: criteria provided, single submitter. Criteria: ACMG Guidelines, 2015. Collection method: clinical testing. Allele origin: germline.
Comment: The TBX4 c.784C>A variant is predicted to result in the amino acid substitution p.Leu262Met. To our knowledge, this variant has not been reported in the literature or in a large population database, indicating this variant is rare. At this time, the clinical significance of this variant is uncertain due to the absence of conclusive functional and genetic evidence.

NM_001321120.2(TBX4):c.784C>A (p.Leu262Met)

Gene: TBX4 (T-box transcription factor 4; plus strand). Cytogenetic location: 17q23.2.
Variant type: single nucleotide variant.
Coding change: c.784C>A on transcript NM_001321120.2 (MANE Select); coding-DNA position 784, C replaced by A.
Protein change: p.Leu262Met; replaces leucine 262 with methionine.
Molecular consequence: missense variant.
Genome position (GRCh38, 1-based): chr17:61,479,962, C>A. VCF-style: chr17-61479962-C-A. GRCh37 (hg19) VCF-style: chr17-59557323-C-A.
Other names: c.784C>A, p.Leu262Met (NM_018488.3); short protein forms L262M.
Identifiers: ClinVar variation 2636325 (VCV002636325.1), dbSNP rs2509566852, ClinGen allele CA400474045.
Genomic context (GRCh38, chr17:61,479,962, plus strand): 5'-AACAACCCTTTTGCCAAGGGATTCCGGGGCAGTGATGACAGTGACCTGCGTGTGGCCCGA[C>A]TGCAGAGGTGGGGCTGCGTAGCCTGGGGGTGGGGCGGGCAGATGGGATTCAGGCACGTGG-3'
Protein context (NP_001308049.1, residues 252-272): SDDSDLRVAR[Leu262Met]QSKEYPVISK